The following is an entry in ClinVar:

ClinVar aggregate classification (germline): Benign. Review status: criteria provided, single submitter (1 of 4 stars). 2 submissions from 1 submitter: Benign (2). Last evaluated 2018-01-13.

Conditions:
Autosomal dominant nonsyndromic hearing loss 17. Also called: Autosomal dominant nonsyndromic deafness 17; Deafness, autosomal dominant 17. Identifiers: Orphanet 90635, MedGen C1863659, MONDO:0011350, OMIM 603622.
MYH9-related disorder. Identifiers: MedGen C1854520.

Allele frequency attached by ClinVar (database versions not stated): gnomAD exomes 0.00025; gnomAD 0.00030 and 0.00043; TOPMed 0.00043; 1000 Genomes Project 0.00240; 1000 Genomes Project 30x 0.00250.
gnomAD v4.1: 90 of 231,390 alleles (0.039%); highest among the groups gnomAD compares: East Asian, 0.48%; no homozygotes.

Submissions (2):

Illumina Laboratory Services, Illumina
Classification: Benign for MYH9-related disorder. Last evaluated: 2018-01-13. Review status: criteria provided, single submitter. Criteria: ICSL Variant Classification Criteria 13 December 2019. Collection method: clinical testing. Allele origin: germline.
Comment: This variant was observed in the ICSL laboratory as part of a predisposition screen in an ostensibly healthy population. It had not been previously curated by ICSL or reported in the Human Gene Mutation Database (HGMD: prior to June 1st, 2018), and was therefore a candidate for classification through an automated scoring system. Utilizing variant allele frequency, disease prevalence and penetrance estimates, and inheritance mode, an automated score was calculated to assess if this variant is too frequent to cause the disease. Based on the score and internal cut-off values, a variant classified as benign is not then subjected to further curation. The score for this variant resulted in a classification of benign for this disease.

Illumina Laboratory Services, Illumina
Classification: Benign for Autosomal dominant nonsyndromic hearing loss 17. Last evaluated: 2018-01-13. Review status: criteria provided, single submitter. Criteria: ICSL Variant Classification Criteria 13 December 2019. Collection method: clinical testing. Allele origin: germline.
Comment: the same text as in the submission from Illumina Laboratory Services, Illumina above.

NM_002473.6(MYH9):c.*906G>T

Gene: MYH9 (myosin heavy chain 9; minus strand). Cytogenetic location: 22q12.3.
Variant type: single nucleotide variant.
Coding change: c.*906G>T on transcript NM_002473.6 (MANE Select); 906 bases downstream of the stop codon, G replaced by T.
Molecular consequence: 3 prime UTR variant.
Genome position (GRCh38, 1-based): chr22:36,281,762, C>A on the plus strand (G>T on the coding strand, the complement: MYH9 is on the minus strand). VCF-style: chr22-36281762-C-A. GRCh37 (hg19) VCF-style: chr22-36677808-C-A.
Identifiers: ClinVar variation 341467 (VCV000341467.5), dbSNP rs192511111, ClinGen allele CA10654107.